The following is an entry in ClinVar:

NM_001376.5(DYNC1H1):c.11570C>G (p.Ser3857Cys)

Gene: DYNC1H1 (dynein cytoplasmic 1 heavy chain 1; plus strand). Cytogenetic location: 14q32.31.
Variant type: single nucleotide variant.
Coding change: c.11570C>G on transcript NM_001376.5 (MANE Select); coding-DNA position 11570, C replaced by G.
Protein change: p.Ser3857Cys; replaces serine 3857 with cysteine.
Molecular consequence: missense variant.
Genome position (GRCh38, 1-based): chr14:102,039,521, C>G. VCF-style: chr14-102039521-C-G. GRCh37 (hg19) VCF-style: chr14-102505858-C-G.
Other names: short protein forms S3857C.
Identifiers: ClinVar variation 1313990 (VCV001313990.2), dbSNP rs2152595179, ClinGen allele CA391034760.

ClinVar aggregate classification (germline): Uncertain significance (1 of 4 stars; one submission).

Submission:

GeneDx
Classification: Uncertain significance. Last evaluated: 2021-01-11. Review status: criteria provided, single submitter. Criteria: GeneDx Variant Classification Process June 2021. Collection method: clinical testing. Allele origin: germline. Affected: yes.
Comment: Not observed in large population cohorts (Lek et al., 2016); In silico analysis supports that this missense variant has a deleterious effect on protein structure/function; Has not been previously published as pathogenic or benign to our knowledge